The following is an entry in ClinVar:

ClinVar aggregate classification (germline): Uncertain significance (1 of 4 stars; one submission).

Conditions:
Severe combined immunodeficiency due to DNA-PKcs deficiency. Also called: IMMUNODEFICIENCY 26 WITH NEUROLOGIC ABNORMALITIES; Immunodeficiency 26 with or without neurologic abnormalities. Identifiers: Orphanet 317425, MedGen C4014833, MONDO:0014423, OMIM 615966.

Allele frequency attached by ClinVar (database versions not stated): ExAC 0.00001.
gnomAD v4.1: 4 of 1,564,492 alleles (0.00026%); highest among the groups gnomAD compares: Admixed American, 0.0059%; no homozygotes.

Submission:

Labcorp Genetics (formerly Invitae), Labcorp
Classification: Uncertain significance for Severe combined immunodeficiency due to DNA-PKcs deficiency. Last evaluated: 2024-11-05. Review status: criteria provided, single submitter. Criteria: Invitae Variant Classification Sherloc (09022015). Collection method: clinical testing. Allele origin: germline.
Comment: This sequence change replaces valine, which is neutral and non-polar, with leucine, which is neutral and non-polar, at codon 749 of the PRKDC protein (p.Val749Leu). This variant is present in population databases (rs771482106, gnomAD 0.01%). This variant has not been reported in the literature in individuals affected with PRKDC-related conditions. ClinVar contains an entry for this variant (Variation ID: 1987735). Invitae Evidence Modeling of protein sequence and biophysical properties (such as structural, functional, and spatial information, amino acid conservation, physicochemical variation, residue mobility, and thermodynamic stability) indicates that this missense variant is not expected to disrupt PRKDC protein function with a negative predictive value of 80%. In summary, the available evidence is currently insufficient to determine the role of this variant in disease. Therefore, it has been classified as a Variant of Uncertain Significance.

NM_006904.7(PRKDC):c.2245G>C (p.Val749Leu)

Gene: PRKDC (protein kinase, DNA-activated, catalytic subunit; minus strand). Cytogenetic location: 8q11.21.
Variant type: single nucleotide variant.
Coding change: c.2245G>C on transcript NM_006904.7 (MANE Select); coding-DNA position 2245, G replaced by C.
Protein change: p.Val749Leu; replaces valine 749 with leucine.
Molecular consequence: missense variant.
Genome position (GRCh38, 1-based): chr8:47,927,785, C>G on the plus strand (G>C on the coding strand, the complement: PRKDC is on the minus strand). VCF-style: chr8-47927785-C-G. GRCh37 (hg19) VCF-style: chr8-48840345-C-G.
Other names: c.2245G>C, p.Val749Leu (NM_001081640.2); short protein forms V749L.
Identifiers: ClinVar variation 1987735 (VCV001987735.3), dbSNP rs771482106, ClinGen allele CA4741504.